The following is an entry in ClinVar:

ClinVar aggregate classification (germline): Likely benign. Review status: criteria provided, single submitter (1 of 4 stars). 2 submissions from 2 submitters: Likely benign (1). 1 of the submissions does not count toward it. Last evaluated 2022-03-01.

Conditions:
CREBBP-related disorder. Also called: CREBBP-related disorders; CREBBP-related condition.

Allele frequency attached by ClinVar (database versions not stated): TOPMed below 0.00001; gnomAD 0.00001; gnomAD exomes 0.00001; ExAC 0.00002.
gnomAD v4.1: 11 of 1,613,492 alleles (0.00068%); highest among the groups gnomAD compares: South Asian, 0.0011%; no homozygotes.

Submissions (2):

CeGaT Center for Human Genetics Tuebingen
Classification: Likely benign. Last evaluated: 2022-03-01. Review status: criteria provided, single submitter. Criteria: CeGaT Center For Human Genetics Tuebingen Variant Classification Criteria Version 2. Collection method: clinical testing. Allele origin: germline. Affected: yes. Observed: 1 variant allele.
Comment: CREBBP: BP4, BP7

PreventionGenetics, part of Exact Sciences
Classification: Likely benign for CREBBP-related condition. Last evaluated: 2022-04-15. Review status: no assertion criteria provided. Collection method: clinical testing. Allele origin: germline. Not counted in ClinVar's aggregate classification.
Comment: This variant is classified as likely benign based on ACMG/AMP sequence variant interpretation guidelines (Richards et al. 2015 PMID: 25741868, with internal and published modifications).

NM_004380.3(CREBBP):c.3912A>G (p.Ser1304=)

Gene: CREBBP (CREB binding lysine acetyltransferase; minus strand). Cytogenetic location: 16p13.3.
Variant type: single nucleotide variant.
Coding change: c.3912A>G on transcript NM_004380.3 (MANE Select); coding-DNA position 3912, A replaced by G.
Protein change: p.Ser1304=; no amino-acid change (serine 1304 retained).
Molecular consequence: synonymous variant.
Genome position (GRCh38, 1-based): chr16:3,745,279, T>C on the plus strand (A>G on the coding strand, the complement: CREBBP is on the minus strand). VCF-style: chr16-3745279-T-C. GRCh37 (hg19) VCF-style: chr16-3795280-T-C.
Other names: c.3798A>G, p.Ser1266= (NM_001079846.1); c.3912A>G (NM_004380.2).
Identifiers: ClinVar variation 2646135 (VCV002646135.24), dbSNP rs748005456, ClinGen allele CA7869693.